The following is an entry in ClinVar:

ClinVar aggregate classification (germline): Conflicting classifications of pathogenicity. Review status: criteria provided, conflicting classifications (1 of 4 stars). 7 submissions from 6 submitters: Uncertain significance (6); Benign (1). Last evaluated 2026-10-01.

Conditions:
Fibromatosis, gingival, 1 (GINGF1). Identifiers: Orphanet 2024, MedGen C4551558, MONDO:0007609, OMIM 135300.
Noonan syndrome 4 (NS4). Also called: NOONAN SYNDROME WITH PIGMENTED VILLONODULAR SYNOVITIS; SOS1-Related Noonan Syndrome. Identifiers: Orphanet 648, MedGen C1853120, MONDO:0012547, OMIM 610733.
Cardiovascular phenotype. Identifiers: MedGen CN230736.
RASopathy. Also called: rasopathies; Noonan spectrum disorder. Identifiers: Orphanet 536391, MedGen C5555857, MONDO:0021060.
SOS1-related disorder. Also called: SOS1-related condition.

Allele frequency attached by ClinVar (database versions not stated): gnomAD exomes below 0.00001; ExAC 0.00001; TOPMed 0.00002; gnomAD 0.00003; ESP Exome Variant Server 0.00008.
gnomAD v4.1: 4 of 1,613,822 alleles (0.00025%); highest among the groups gnomAD compares: African/African-American, 0.0053%; no homozygotes.

Submissions (7):

St. Jude Molecular Pathology, St. Jude Children's Research Hospital
Classification: Uncertain significance for Noonan syndrome 4. Last evaluated: 2026-10-01. Review status: criteria provided, single submitter. Criteria: St. Jude Assertion Criteria 2020. Collection method: clinical testing. Allele origin: germline.
Comment: The SO S1 c.3806C>G p.(Thr1269Arg) missense change has a maximum subpopulation frequency of 0.008% in gnomAD v2.1.1. The in silico tool REVEL predicts a benign effect on protein function, but to our knowledge this prediction has not been confirmed by functional studies. To our knowledge, this variant has not been reported in individuals with Noonan syndrome. In summary, the evidence currently available is insufficient to determine the clinical significance of this variant. I t has therefore been classified as of uncertain significance.

PreventionGenetics, part of Exact Sciences
Classification: Uncertain significance for SOS1-related condition. Last evaluated: 2026-03-31. Review status: criteria provided, single submitter. Criteria: ACMG Guidelines, 2015. Collection method: clinical testing. Allele origin: germline.
Comment: The SOS1 c.3806C>G variant is predicted to result in the amino acid substitution p.Thr1269Arg. To our knowledge, this variant has not been reported in the literature. This variant is reported in 0.0080% of alleles in individuals of African descent in gnomAD. At this time, the clinical significance of this variant is uncertain due to the absence of conclusive functional and genetic evidence.

Ambry Genetics
Classification: Uncertain significance for Cardiovascular phenotype. Last evaluated: 2025-10-26. Review status: criteria provided, single submitter. Criteria: Ambry Variant Classification Scheme 2023. Collection method: clinical testing. Allele origin: germline.
Comment: The p.T1269R variant (also known as c.3806C>G), located in coding exon 23 of the SOS1 gene, results from a C to G substitution at nucleotide position 3806. The threonine at codon 1269 is replaced by arginine, an amino acid with similar properties. This amino acid position is not well conserved in available vertebrate species. In addition, this alteration is predicted to be tolerated by in silico analysis. Since supporting evidence is limited at this time, the clinical significance of this alteration remains unclear.

Labcorp Genetics (formerly Invitae), Labcorp
Classification: Benign for RASopathy. Last evaluated: 2025-04-13. Review status: criteria provided, single submitter. Criteria: Invitae Variant Classification Sherloc (09022015). Collection method: clinical testing. Allele origin: germline.

New York Genome Center
Classification: Uncertain significance for Noonan syndrome 4. Last evaluated: 2021-04-09. Review status: criteria provided, single submitter. Criteria: NYGC Assertion Criteria 2020. Collection method: clinical testing. Allele origin: inherited. Observed: 1 heterozygote. Study: CSER-NYCKidSeq.

Genome-Nilou Lab
Classification: Uncertain significance for Noonan syndrome 4. Review status: criteria provided, single submitter. Criteria: ACMG Guidelines, 2015. Collection method: clinical testing. Allele origin: germline.

Genome-Nilou Lab
Classification: Uncertain significance for Fibromatosis, gingival, 1. Review status: criteria provided, single submitter. Criteria: ACMG Guidelines, 2015. Collection method: clinical testing. Allele origin: germline.

NM_005633.4(SOS1):c.3806C>G (p.Thr1269Arg)

Gene: SOS1 (SOS Ras/Rac guanine nucleotide exchange factor 1; minus strand). Cytogenetic location: 2p22.1.
Variant type: single nucleotide variant.
Coding change: c.3806C>G on transcript NM_005633.4 (MANE Select); coding-DNA position 3806, C replaced by G.
Protein change: p.Thr1269Arg; replaces threonine 1269 with arginine.
Molecular consequence: missense variant.
Genome position (GRCh38, 1-based): chr2:38,986,020, G>C on the plus strand (C>G on the coding strand, the complement: SOS1 is on the minus strand). VCF-style: chr2-38986020-G-C. GRCh37 (hg19) VCF-style: chr2-39213161-G-C.
Other names: c.3785C>G, p.Thr1262Arg (NM_001382394.1); c.3761C>G, p.Thr1254Arg (NM_001382395.1); short protein forms T1254R, T1262R, T1269R.
Identifiers: ClinVar variation 1342541 (VCV001342541.9), dbSNP rs370528448, ClinGen allele CA1624110.